The following is an entry in ClinVar:

NM_000209.4(PDX1):c.144C>A (p.His48Gln)

Gene: PDX1 (pancreatic and duodenal homeobox 1; plus strand). Cytogenetic location: 13q12.2.
Variant type: single nucleotide variant.
Coding change: c.144C>A on transcript NM_000209.4 (MANE Select); coding-DNA position 144, C replaced by A.
Protein change: p.His48Gln; replaces histidine 48 with glutamine.
Molecular consequence: missense variant.
Genome position (GRCh38, 1-based): chr13:27,920,282, C>A. VCF-style: chr13-27920282-C-A. GRCh37 (hg19) VCF-style: chr13-28494419-C-A.
Other names: short protein forms H48Q.
Identifiers: ClinVar variation 4693639 (VCV004693639.1).
Genomic context (GRCh38, chr13:27,920,282, plus strand): 5'-CAGCGCCAGCCCCCCTGCGTGCCTGTACATGGGCCGCCAGCCCCCGCCGCCGCCGCCGCA[C>A]CCGTTCCCTGGCGCCCTGGGCGCGCTGGAGCAGGGCAGCCCCCCGGACATCTCCCCGTAC-3'
Protein context (NP_000200.1, residues 38-58): MGRQPPPPPP[His48Gln]PFPGALGALE

ClinVar aggregate classification (germline): Uncertain significance (1 of 4 stars; one submission).

gnomAD v4.1: 4 of 1,540,534 alleles (0.00026%); highest among the groups gnomAD compares: Admixed American, 0.002%; no homozygotes.

Submission:

Labcorp Genetics (formerly Invitae), Labcorp
Classification: Uncertain significance. Last evaluated: 2025-03-31. Review status: criteria provided, single submitter. Criteria: Invitae Variant Classification Sherloc (09022015). Collection method: clinical testing. Allele origin: germline.
Comment: This sequence change replaces histidine, which is basic and polar, with glutamine, which is neutral and polar, at codon 48 of the PDX1 protein (p.His48Gln). This variant is present in population databases (no rsID available, gnomAD 0.004%). This variant has not been reported in the literature in individuals affected with PDX1-related conditions. Invitae Evidence Modeling of protein sequence and biophysical properties (such as structural, functional, and spatial information, amino acid conservation, physicochemical variation, residue mobility, and thermodynamic stability) indicates that this missense variant is not expected to disrupt PDX1 protein function with a negative predictive value of 80%. In summary, the available evidence is currently insufficient to determine the role of this variant in disease. Therefore, it has been classified as a Variant of Uncertain Significance.